The following is an entry in ClinVar:

ClinVar aggregate classification (germline): Pathogenic. Review status: criteria provided, multiple submitters, no conflicts (2 of 4 stars). 10 submissions from 10 submitters: Pathogenic (10). Last evaluated 2026-10-06.

Conditions:
Neurofibromatosis, type 1 (NF1). Also called: VON RECKLINGHAUSEN DISEASE; Peripheral type neurofibromatosis; Neurofibromatosis, type I; NEUROFIBROMATOSIS, TYPE I, SOMATIC. Identifiers: Orphanet 636, MedGen C0027831, MONDO:0018975, OMIM 162200. Disease mechanism: loss of function.
NF1-related disorder. Also called: NF1-related condition. Identifiers: MedGen CN379171.
Hereditary cancer-predisposing syndrome. Also called: Neoplastic Syndromes, Hereditary; Hereditary Cancer Syndrome; Hereditary neoplastic syndrome; Tumor predisposition. Identifiers: Orphanet 140162, MedGen C0027672, MeSH D009386, MONDO:0015356.
Cardiovascular phenotype. Identifiers: MedGen CN230736.
Juvenile myelomonocytic leukemia (JMML). Also called: LEUKEMIA, JUVENILE MYELOMONOCYTIC, SOMATIC. Identifiers: Orphanet 86834, MedGen C0349639, MONDO:0011908, OMIM 607785, HP:0012209.
Neurofibromatosis, familial spinal (FSNF). Identifiers: Orphanet 636, MedGen C1834235, MONDO:0008078, OMIM 162210. Disease mechanism: loss of function.
Neurofibromatosis-Noonan syndrome (NFNS). Also called: NEUROFIBROMATOSIS WITH NOONAN PHENOTYPE. Identifiers: Orphanet 638, MedGen C2931482, MONDO:0011035, OMIM 601321. Disease mechanism: loss of function.
Café-au-lait macules with pulmonary stenosis (WTSN). Also called: PULMONIC STENOSIS WITH CAFE-AU-LAIT SPOTS. Identifiers: MedGen C0553586, MONDO:0008672, OMIM 193520.

Allele frequency attached by ClinVar (database versions not stated): TOPMed below 0.00001.

Submissions (10):

NHS Central & South Genomic Laboratory Hub
Classification: Pathogenic for Neurofibromatosis type 1. Last evaluated: 2026-10-06. Review status: criteria provided, single submitter. Criteria: ACMG Guidelines, 2015. Collection method: clinical testing. Allele origin: germline. Affected: yes.

Labcorp Genetics (formerly Invitae), Labcorp
Classification: Pathogenic for Neurofibromatosis, type 1. Last evaluated: 2025-05-20. Review status: criteria provided, single submitter. Criteria: Invitae Variant Classification Sherloc (09022015). Collection method: clinical testing. Allele origin: germline.
Comment: This sequence change creates a premature translational stop signal (p.Gln162*) in the NF1 gene. It is expected to result in an absent or disrupted protein product. Loss-of-function variants in NF1 are known to be pathogenic (PMID: 10712197, 23913538). This variant is not present in population databases (gnomAD no frequency). This premature translational stop signal has been observed in individuals with neurofibromatosis type 1 (PMID: 17514731). It has also been observed to segregate with disease in related individuals. Invitae Evidence Modeling of clinical and family history, age, sex, and reported ancestry of multiple individuals with this NF1 variant has been performed. This variant is expected to be pathogenic with a positive predictive value of at least 99%. This is a validated machine learning model that incorporates the clinical features of 1,785,918 individuals referred to our laboratory for NF1 testing. ClinVar contains an entry for this variant (Variation ID: 481882). For these reasons, this variant has been classified as Pathogenic.

Ambry Genetics
Classification: Pathogenic for Cardiovascular phenotype; Hereditary cancer-predisposing syndrome. Last evaluated: 2025-02-07. Review status: criteria provided, single submitter. Criteria: Ambry Variant Classification Scheme 2023. Collection method: clinical testing. Allele origin: germline.
Comment: The p.Q162* pathogenic mutation (also known as c.484C>T), located in coding exon 5 of the NF1 gene, results from a C to T substitution at nucleotide position 484. This changes the amino acid from a glutamine to a stop codon within coding exon 5. This alteration has been reported in two siblings with neurofibromatosis type 1 (NF1) and bilateral optic pathway glioma (Kebudi R et al. Pediatr Blood Cancer, 2008 Mar;50:713-5), and has been detected in additional individuals from NF1 cohorts (Melloni G et al. Cancers (Basel). 2019 11;11(12). This variant is considered to be rare based on population cohorts in the Genome Aggregation Database (gnomAD). In addition to the clinical data presented in the literature, this alteration is expected to result in loss of function by premature protein truncation or nonsense-mediated mRNA decay. As such, this alteration is interpreted as a disease-causing mutation.

Quest Diagnostics Nichols Institute San Juan Capistrano
Classification: Pathogenic. Last evaluated: 2024-10-25. Review status: criteria provided, single submitter. Criteria: Quest Diagnostics criteria. Collection method: clinical testing. Allele origin: unknown.
Comment: The NF1 c.484C>T (p.Gln162*) variant causes the premature termination of NF1 protein synthesis. This variant has been reported in the published literature in individuals with neurofibromatosis 1 (NF1) (PMID: 17514731 (2008), Melloni et al (Cancers. 2019; 11(12):1838)), optic pathway glioma (OPG) (PMID: 17514731 (2008)) and malignant peripheral nerve sheath tumor (PMID: 34308366 (2021)). This variant has not been reported in large, multi-ethnic general populations (Genome Aggregation Database). Based on the available information, this variant is classified as pathogenic.

Fulgent Genetics
Classification: Pathogenic for Neurofibromatosis, type 1; Neurofibromatosis, familial spinal; Café-au-lait macules with pulmonary stenosis; Neurofibromatosis-Noonan syndrome; Juvenile myelomonocytic leukemia. Last evaluated: 2024-05-20. Review status: criteria provided, single submitter. Criteria: ACMG Guidelines, 2015. Collection method: clinical testing. Allele origin: germline.

GeneDx
Classification: Pathogenic. Last evaluated: 2023-06-20. Review status: criteria provided, single submitter. Criteria: GeneDx Variant Classification Process June 2021. Collection method: clinical testing. Allele origin: germline. Affected: yes.
Comment: Nonsense variant predicted to result in protein truncation or nonsense mediated decay in a gene for which loss-of-function is a known mechanism of disease; Not observed in large population cohorts (gnomAD); This variant is associated with the following publications: (PMID: 34308366, 25525159, 31766501, 21278392, 17514731, 28873162, Kiraz_2023, 10712197, 23913538, 35024939)

Genome-Nilou Lab
Classification: Pathogenic for Neurofibromatosis, type 1. Last evaluated: 2022-03-15. Review status: criteria provided, single submitter. Criteria: ACMG Guidelines, 2015. Collection method: clinical testing. Allele origin: germline. Affected: no.

Blueprint Genetics
Classification: Pathogenic for NF1-related disorders. Last evaluated: 2021-09-24. Review status: criteria provided, single submitter. Criteria: ACMG Guidelines, 2015. Collection method: clinical testing. Allele origin: germline. Affected: yes. Observed: 2 variant alleles.

Department of Pediatrics, Memorial Sloan Kettering Cancer Center
Classification: Pathogenic for Neurofibromatosis, type 1. Last evaluated: 2020-12-15. Review status: criteria provided, single submitter. Criteria: ACMG Guidelines, 2015. Collection method: research. Allele origin: germline. Affected: yes.

Center for Human Genetics, Inc
Classification: Pathogenic for Neurofibromatosis, type 1. Last evaluated: 2016-11-01. Review status: criteria provided, single submitter. Criteria: ACMG Guidelines, 2015. Collection method: clinical testing. Allele origin: germline. Affected: yes.

Literature cited by the submitters: PubMed 10712197 (cited by Labcorp Genetics (formerly Invitae), Labcorp); PubMed 23913538 (cited by Labcorp Genetics (formerly Invitae), Labcorp); PubMed 17514731 (cited by 3 submitters); PubMed 31766501 (cited by Ambry Genetics); PubMed 34308366 (cited by Quest Diagnostics Nichols Institute San Juan Capistrano); PubMed 25525159 (cited by Quest Diagnostics Nichols Institute San Juan Capistrano); PubMed 28873162 (cited by Department of Pediatrics, Memorial Sloan Kettering Cancer Center).

NM_001042492.3(NF1):c.484C>T (p.Gln162Ter)

Gene: NF1 (neurofibromin 1; plus strand). Cytogenetic location: 17q11.2.
Variant type: single nucleotide variant.
Coding change: c.484C>T on transcript NM_001042492.3 (MANE Select); coding-DNA position 484, C replaced by T.
Protein change: p.Gln162Ter; replaces glutamine 162 with a stop codon.
Molecular consequence: nonsense.
Genome position (GRCh38, 1-based): chr17:31,169,895, C>T. VCF-style: chr17-31169895-C-T. GRCh37 (hg19) VCF-style: chr17-29496913-C-T.
Other names: c.484C>T, p.Gln162Ter (NM_000267.4, NM_001128147.3); short protein forms Q162*.
Identifiers: ClinVar variation 481882 (VCV000481882.23), dbSNP rs1555607073, ClinGen allele CA398984667.